The following is an entry in ClinVar:

NM_000077.5(CDKN2A):c.434T>C (p.Ile145Thr)

Gene: CDKN2A (cyclin dependent kinase inhibitor 2A; minus strand). Cytogenetic location: 9p21.3.
Variant type: single nucleotide variant.
Coding change: c.434T>C on transcript NM_000077.5; coding-DNA position 434, T replaced by C.
Protein change: p.Ile145Thr; replaces isoleucine 145 with threonine.
Molecular consequence: missense variant (on NM_001363763.2). On other transcripts: 3 prime UTR variant (2).
Genome position (GRCh38, 1-based): chr9:21,970,925, A>G on the plus strand (T>C on the coding strand, the complement: CDKN2A is on the minus strand). VCF-style: chr9-21970925-A-G. GRCh37 (hg19) VCF-style: chr9-21970924-A-G.
Other names: p.I145T:ATA>ACA; c.281T>C, p.Ile94Thr (NM_001363763.2); c.*78T>C (NM_058195.4); c.*357T>C (NM_058197.5); c.434T>C, p.Ile145Thr (NM_000077.6, NM_001195132.2); short protein forms I145T, I94T.
Identifiers: ClinVar variation 182420 (VCV000182420.31), dbSNP rs730881680, ClinGen allele CA299049.
Genomic context (GRCh38, chr9:21,970,925, plus strand): 5'-CTCTCAGGGTACAAATTCTCAGATCATCAGTCCTCACCTGAGGGACCTTCCGCGGCATCT[A>G]TGCGGGCATGGTTACTGCCTCTGGTGCCCCCCGCAGCCGCGCGCAGGTACCGTGCGACAT-3'
Protein context (NP_000068.1, residues 135-155): GGTRGSNHAR[Ile145Thr]DAAEGPSDIP

ClinVar aggregate classification (germline): Conflicting classifications of pathogenicity. Review status: criteria provided, conflicting classifications (1 of 4 stars). 6 submissions from 6 submitters: Uncertain significance (5); Likely benign (1). Last evaluated 2026-03-02.

Conditions:
Hereditary cancer-predisposing syndrome. Also called: Tumor predisposition; Neoplastic Syndromes, Hereditary; Hereditary neoplastic syndrome; Hereditary Cancer Syndrome. Identifiers: Orphanet 140162, MedGen C0027672, MeSH D009386, MONDO:0015356.
Familial melanoma. Also called: Hereditary melanoma; Hereditary cutaneous melanoma. Identifiers: Orphanet 618, MedGen C1512419, MONDO:0018961.

Allele frequency attached by ClinVar (database versions not stated): gnomAD exomes below 0.00001.
gnomAD v4.1: 7 of 1,612,484 alleles (0.00043%); highest among the groups gnomAD compares: East Asian, 0.0067%; no homozygotes.

Submissions (6):

Women's Health and Genetics/Laboratory Corporation of America, LabCorp
Classification: Uncertain significance. Last evaluated: 2026-03-02. Review status: criteria provided, single submitter. Criteria: LabCorp Variant Classification Summary - May 2015. Collection method: clinical testing. Allele origin: germline.
Comment: Variant summary: CDKN2A c.434T>C (p.Ile145Thr) results in a non-conservative amino acid change in the encoded protein sequence. Algorithms developed to predict the effect of missense changes on protein structure and function are either unavailable or do not agree on the potential impact of this missense change. The variant was absent in 278314 control chromosomes. The available data on variant occurrences in the general population are insufficient to allow any conclusion about variant significance. c.434T>C has been observed in an individual who underwent multigene panel testing for Lynch Syndrome (Yurgelun_2015). This report does not provide unequivocal conclusions about association of the variant with CDKNA2-related conditions. To our knowledge, no experimental evidence demonstrating an impact on protein function has been reported. The following publication has been ascertained in the context of this evaluation (PMID: 25980754). ClinVar contains an entry for this variant (Variation ID: 182420). Based on the evidence outlined above, the variant was classified as uncertain significance.

Labcorp Genetics (formerly Invitae), Labcorp
Classification: Uncertain significance for Familial melanoma. Last evaluated: 2026-01-11. Review status: criteria provided, single submitter. Criteria: Invitae Variant Classification Sherloc (09022015). Collection method: clinical testing. Allele origin: germline.
Comment: This sequence change replaces isoleucine, which is neutral and non-polar, with threonine, which is neutral and polar, at codon 145 of the CDKN2A (p16INK4a) protein (p.Ile145Thr). This variant is not present in population databases (gnomAD no frequency). This variant has not been reported in the literature in individuals affected with CDKN2A (p16INK4a)-related conditions. ClinVar contains an entry for this variant (Variation ID: 182420). An algorithm developed to predict the effect of missense changes on protein structure and function outputs the following: PolyPhen-2: "Benign". The threonine amino acid residue is found in multiple mammalian species, which suggests that this missense change does not adversely affect protein function. In summary, the available evidence is currently insufficient to determine the role of this variant in disease. Therefore, it has been classified as a Variant of Uncertain Significance.

Color Diagnostics, LLC DBA Color Health
Classification: Uncertain significance for Hereditary cancer-predisposing syndrome. Last evaluated: 2024-06-24. Review status: criteria provided, single submitter. Criteria: ACMG Guidelines, 2015. Collection method: clinical testing. Allele origin: germline.
Comment: The CDKN2A locus encodes two different gene products, p16INK4a and p14ARF. This missense variant replaces isoleucine with threonine at codon 145 of the CDKN2A (p16INK4A) protein. Computational prediction suggests that this variant may not impact protein structure and function. To our knowledge, functional studies have not been reported for this variant. This variant has been reported in an individual affected with Lynch syndrome-associated cancer and/or polyps (PMID: 25980754). This variant has not been identified in the general population by the Genome Aggregation Database (gnomAD). The available evidence is insufficient to determine the role of this variant in disease conclusively. Therefore, this variant is classified as a Variant of Uncertain Significance.

GeneDx
Classification: Uncertain significance. Last evaluated: 2023-06-08. Review status: criteria provided, single submitter. Criteria: GeneDx Variant Classification Process June 2021. Collection method: clinical testing. Allele origin: germline. Affected: yes.
Comment: Not observed at significant frequency in large population cohorts (gnomAD); In silico analysis supports that this missense variant does not alter protein structure/function; This variant is associated with the following publications: (PMID: 25980754)

Sema4
Classification: Uncertain significance for Hereditary cancer-predisposing syndrome. Last evaluated: 2021-05-29. Review status: criteria provided, single submitter. Criteria: Sema4 Curation Guidelines. Collection method: curation. Allele origin: germline.
Comment: The CDKN2A c.434T>C (p.I145T) variant has been reported in an individual with a history of LS-associated cancer and/or colorectal polyps (PMID: 25980754). It was not observed in the large and broad cohorts of the Genome Aggregation Database (PMID: 32461654). The variant has been reported in ClinVar (Variation ID 182420). In silico tools suggest the impact of the variant on protein function is inconclusive though these predictions have not been confirmed by functional studies. The evidence is insufficient to meet ACMG/AMP criteria for classifying the variant as benign or pathogenic. Thus, the clinical significance of this variant is currently uncertain.

Ambry Genetics
Classification: Likely benign for Hereditary cancer-predisposing syndrome. Last evaluated: 2020-05-13. Review status: criteria provided, single submitter. Criteria: Ambry Variant Classification Scheme 2023. Collection method: clinical testing. Allele origin: germline.

Literature cited by the submitters: PubMed 25980754 (cited by 3 submitters); PubMed 27756164 (cited by Women's Health and Genetics/Laboratory Corporation of America, LabCorp); PubMed 27960642 (cited by Women's Health and Genetics/Laboratory Corporation of America, LabCorp); PubMed 28765326 (cited by Women's Health and Genetics/Laboratory Corporation of America, LabCorp); PubMed 9166859 (cited by Women's Health and Genetics/Laboratory Corporation of America, LabCorp); PubMed 16818274 (cited by Women's Health and Genetics/Laboratory Corporation of America, LabCorp); PubMed 18519632 (cited by Women's Health and Genetics/Laboratory Corporation of America, LabCorp); PubMed 7718873 (cited by Women's Health and Genetics/Laboratory Corporation of America, LabCorp).